The following is an entry in ClinVar:

ClinVar aggregate classification (germline): Uncertain significance (1 of 4 stars; one submission).

Conditions:
Hereditary nonpolyposis colorectal neoplasms. Identifiers: MedGen C0009405, MeSH D003123.

Submission:

Labcorp Genetics (formerly Invitae), Labcorp
Classification: Uncertain significance for Hereditary nonpolyposis colorectal neoplasms. Last evaluated: 2022-12-30. Review status: criteria provided, single submitter. Criteria: Invitae Variant Classification Sherloc (09022015). Collection method: clinical testing. Allele origin: germline.
Comment: This variant is not present in population databases (gnomAD no frequency). This sequence change replaces phenylalanine, which is neutral and non-polar, with leucine, which is neutral and non-polar, at codon 1333 of the MSH6 protein (p.Phe1333Leu). In summary, the available evidence is currently insufficient to determine the role of this variant in disease. Therefore, it has been classified as a Variant of Uncertain Significance. Advanced modeling of protein sequence and biophysical properties (such as structural, functional, and spatial information, amino acid conservation, physicochemical variation, residue mobility, and thermodynamic stability) performed at Invitae indicates that this missense variant is not expected to disrupt MSH6 protein function. This variant has not been reported in the literature in individuals affected with MSH6-related conditions.

NM_000179.3(MSH6):c.3999T>G (p.Phe1333Leu)

Gene: MSH6 (mutS homolog 6; plus strand). Cytogenetic location: 2p16.3.
Variant type: single nucleotide variant.
Coding change: c.3999T>G on transcript NM_000179.3 (MANE Select); coding-DNA position 3999, T replaced by G.
Protein change: p.Phe1333Leu; replaces phenylalanine 1333 with leucine.
Molecular consequence: missense variant. On other transcripts: 3 prime UTR variant (1), non-coding transcript variant (5), intron variant (1).
Genome position (GRCh38, 1-based): chr2:47,806,649, T>G. VCF-style: chr2-47806649-T-G. GRCh37 (hg19) VCF-style: chr2-48033788-T-G.
Other names: c.3609T>G, p.Phe1203Leu (NM_001281492.2); c.3093T>G, p.Phe1031Leu (NM_001281493.2, NM_001281494.2, NM_001406823.1 and 6 more transcripts); c.4095T>G, p.Phe1365Leu (NM_001406795.1); c.3999T>G, p.Phe1333Leu (NM_001406796.1, NM_001406808.1, NM_001406809.1); c.3702T>G, p.Phe1234Leu (NM_001406797.1, NM_001406801.1, NM_001406805.1 and 10 more transcripts); c.3825T>G, p.Phe1275Leu (NM_001406798.1); c.3474T>G, p.Phe1158Leu (NM_001406799.1, NM_001406806.1, NM_001406807.1); c.*20T>G (NM_001406800.1); and 9 more; short protein forms F1203L, F1234L, F260L, F1333L, F1365L, F648L, F1031L, F1045L.
Identifiers: ClinVar variation 2825072 (VCV002825072.3), dbSNP rs2104568316, ClinGen allele CA346761607.